The following is an entry in ClinVar:

ClinVar aggregate classification (germline): Uncertain significance (1 of 4 stars; one submission).

Conditions:
Hereditary cancer-predisposing syndrome. Also called: Neoplastic Syndromes, Hereditary; Tumor predisposition; Hereditary Cancer Syndrome; Hereditary neoplastic syndrome. Identifiers: Orphanet 140162, MedGen C0027672, MeSH D009386, MONDO:0015356.

Submission:

Ambry Genetics
Classification: Uncertain significance for Hereditary cancer-predisposing syndrome. Last evaluated: 2026-07-30. Review status: criteria provided, single submitter. Criteria: Ambry Variant Classification Scheme 2023. Collection method: clinical testing. Allele origin: germline.
Comment: The p.Q938R variant (also known as c.2813A>G), located in coding exon 17 of the PTCH1 gene, results from an A to G substitution at nucleotide position 2813. The glutamine at codon 938 is replaced by arginine, an amino acid with highly similar properties. This amino acid position is conserved. In addition, this alteration is predicted to be deleterious by in silico analysis. Based on the available evidence, the clinical significance of this variant remains unclear.

NM_000264.5(PTCH1):c.2813A>G (p.Gln938Arg)

Gene: PTCH1 (patched 1; minus strand). Cytogenetic location: 9q22.32.
Variant type: single nucleotide variant.
Coding change: c.2813A>G on transcript NM_000264.5 (MANE Select); coding-DNA position 2813, A replaced by G.
Protein change: p.Gln938Arg; replaces glutamine 938 with arginine.
Molecular consequence: missense variant. On other transcripts: non-coding transcript variant (1).
Genome position (GRCh38, 1-based): chr9:95,459,674, T>C on the plus strand (A>G on the coding strand, the complement: PTCH1 is on the minus strand). VCF-style: chr9-95459674-T-C. GRCh37 (hg19) VCF-style: chr9-98221956-T-C.
Other names: c.2615A>G, p.Gln872Arg (NM_001083602.3); c.2810A>G, p.Gln937Arg (NM_001083603.3); c.2360A>G, p.Gln787Arg (NM_001083604.3, NM_001083605.3, NM_001083606.3 and 1 more transcripts); c.2657A>G, p.Gln886Arg (NM_001354918.2); short protein forms Q872R, Q787R, Q886R, Q937R, Q938R.
Identifiers: ClinVar variation 4842281 (VCV004842281.2).